The following is an entry in ClinVar:

ClinVar aggregate classification (germline): Pathogenic (1 of 4 stars; one submission).

Allele frequency attached by ClinVar (database versions not stated): gnomAD exomes below 0.00001; TOPMed 0.00001.

Submission:

Labcorp Genetics (formerly Invitae), Labcorp
Classification: Pathogenic. Last evaluated: 2021-03-18. Review status: criteria provided, single submitter. Criteria: Invitae Variant Classification Sherloc (09022015). Collection method: clinical testing. Allele origin: germline.
Comment: This variant is not present in population databases (ExAC no frequency). This sequence change creates a premature translational stop signal (p.Cys67Metfs*2) in the KIZ gene. It is expected to result in an absent or disrupted protein product. This variant has not been reported in the literature in individuals with KIZ-related disease. For these reasons, this variant has been classified as Pathogenic. Loss-of-function variants in KIZ are known to be pathogenic (PMID: 24680887).

Literature cited by the submitters: PubMed 24680887.

NM_018474.6(KIZ):c.198dup (p.Cys67fs)

Gene: KIZ (kizuna centrosomal protein; plus strand). Cytogenetic location: 20p11.23.
Variant type: Duplication.
Coding change: c.198dup on transcript NM_018474.6 (MANE Select); coding-DNA position 198, one base duplicated (A; older notation c.198dupA).
Protein change: p.Cys67fs; shifts the reading frame from cysteine 67.
Molecular consequence: frameshift variant. On other transcripts: 5 prime UTR variant (1), intron variant (4).
Genome position (GRCh38, 1-based): chr20:21,136,435, A duplicated. VCF-style (leftmost placement, unchanged base first): chr20-21136434-T-TA. GRCh37 (hg19) VCF-style: chr20-21117075-T-TA.
Other names: c.198dup, p.Cys67fs (NM_001352434.2); c.-189dup (NM_001352436.2); c.169-9130dup (NM_001276389.2); c.6+4276dup (NM_001163022.3, NM_001352435.2, NM_001163023.3); short protein forms C67fs.
Identifiers: ClinVar variation 1070634 (VCV001070634.7), dbSNP rs2032191781, ClinGen allele CA2354742794.